The following is an entry in ClinVar:

NM_133259.4(LRPPRC):c.3415A>G (p.Arg1139Gly)

Gene: LRPPRC (leucine rich pentatricopeptide repeat containing; minus strand). Cytogenetic location: 2p21.
Variant type: single nucleotide variant.
Coding change: c.3415A>G on transcript NM_133259.4 (MANE Select); coding-DNA position 3415, A replaced by G.
Protein change: p.Arg1139Gly; replaces arginine 1139 with glycine.
Molecular consequence: missense variant.
Genome position (GRCh38, 1-based): chr2:43,901,474, T>C on the plus strand (A>G on the coding strand, the complement: LRPPRC is on the minus strand). VCF-style: chr2-43901474-T-C. GRCh37 (hg19) VCF-style: chr2-44128613-T-C.
Other names: short protein forms R1139G.
Identifiers: ClinVar variation 1430431 (VCV001430431.3), dbSNP rs1226034666, ClinGen allele CA346677860.

ClinVar aggregate classification (germline): Uncertain significance (1 of 4 stars; one submission).

Allele frequency attached by ClinVar (database versions not stated): gnomAD exomes 0.00002.
gnomAD v4.1: 5 of 1,614,056 alleles (0.00031%); highest among the groups gnomAD compares: Admixed American, 0.0083%; no homozygotes.

Submission:

Labcorp Genetics (formerly Invitae), Labcorp
Classification: Uncertain significance. Last evaluated: 2022-05-16. Review status: criteria provided, single submitter. Criteria: Invitae Variant Classification Sherloc (09022015). Collection method: clinical testing. Allele origin: germline.
Comment: This sequence change replaces arginine, which is basic and polar, with glycine, which is neutral and non-polar, at codon 1139 of the LRPPRC protein (p.Arg1139Gly). This variant is present in population databases (no rsID available, gnomAD 0.01%). This variant has not been reported in the literature in individuals affected with LRPPRC-related conditions. Algorithms developed to predict the effect of missense changes on protein structure and function output the following: SIFT: "Tolerated"; PolyPhen-2: "Benign"; Align-GVGD: "Class C0". The glycine amino acid residue is found in multiple mammalian species, which suggests that this missense change does not adversely affect protein function. In summary, the available evidence is currently insufficient to determine the role of this variant in disease. Therefore, it has been classified as a Variant of Uncertain Significance.